The following is an entry in ClinVar:

ClinVar aggregate classification (germline): Uncertain significance. Review status: criteria provided, multiple submitters, no conflicts (2 of 4 stars). 4 submissions from 4 submitters: Uncertain significance (4). Last evaluated 2025-08-07.

Conditions:
HSD17B4-related disorder. Also called: HSD17B4-related condition; HSD17B4-related disorders.
Perrault syndrome. Also called: Gonadal dysgenesis with auditory dysfunction, autosomal recessive inheritance. Identifiers: Orphanet 2855, MedGen C0685838, MONDO:0017312.
Bifunctional peroxisomal enzyme deficiency (DBIF). Also called: DBP DEFICIENCY; PBFE DEFICIENCY; D-bifunctional protein deficiency. Identifiers: Orphanet 300, MedGen C0342870, MONDO:0009855, OMIM 261515. Disease mechanism: loss of function.

Allele frequency attached by ClinVar (database versions not stated): gnomAD exomes 0.00005; ExAC 0.00007; gnomAD 0.00011 and 0.00012; TOPMed 0.00016; 1000 Genomes Project 0.00020; 1000 Genomes Project 30x 0.00031; ESP Exome Variant Server 0.00031.

Submissions (4):

PreventionGenetics, part of Exact Sciences
Classification: Uncertain significance for HSD17B4-related condition. Last evaluated: 2025-08-07. Review status: criteria provided, single submitter. Criteria: ACMG Guidelines, 2015. Collection method: clinical testing. Allele origin: germline.
Comment: The HSD17B4 c.1058C>T variant is predicted to result in the amino acid substitution p.Ala353Val. To our knowledge, this variant has not been reported in HSD17B4-related disorders. This variant is reported in 0.036% of alleles in individuals of African descent in gnomAD. At this time, the clinical significance of this variant is uncertain due to the absence of conclusive functional and genetic evidence.

GeneDx
Classification: Uncertain significance. Last evaluated: 2025-03-04. Review status: criteria provided, single submitter. Criteria: GeneDx Variant Classification Process June 2021. Collection method: clinical testing. Allele origin: germline.
Comment: In silico analysis indicates that this missense variant does not alter protein structure/function; Also known as D-BP, MFE-2H; Has not been previously published as pathogenic or benign in association with D-bifunctional protein deficiency to our knowledge; This variant is associated with the following publications: (PMID: 28649525)

Labcorp Genetics (formerly Invitae), Labcorp
Classification: Uncertain significance for Perrault syndrome; Bifunctional peroxisomal enzyme deficiency. Last evaluated: 2022-09-01. Review status: criteria provided, single submitter. Criteria: Invitae Variant Classification Sherloc (09022015). Collection method: clinical testing. Allele origin: germline.
Comment: This sequence change replaces alanine, which is neutral and non-polar, with valine, which is neutral and non-polar, at codon 353 of the HSD17B4 protein (p.Ala353Val). This variant is present in population databases (rs138560200, gnomAD 0.03%). This variant has not been reported in the literature in individuals affected with HSD17B4-related conditions. ClinVar contains an entry for this variant (Variation ID: 598604). Advanced modeling of protein sequence and biophysical properties (such as structural, functional, and spatial information, amino acid conservation, physicochemical variation, residue mobility, and thermodynamic stability) performed at Invitae indicates that this missense variant is not expected to disrupt HSD17B4 protein function. In summary, the available evidence is currently insufficient to determine the role of this variant in disease. Therefore, it has been classified as a Variant of Uncertain Significance.

Eurofins Ntd Llc (ga)
Classification: Uncertain significance. Last evaluated: 2018-08-30. Review status: criteria provided, single submitter. Criteria: EGL ClinVar v180209 classification definitions. Collection method: clinical testing. Allele origin: germline. Observed: 1 variant allele, 1 heterozygote.

NM_000414.4(HSD17B4):c.1058C>T (p.Ala353Val)

Gene: HSD17B4 (hydroxysteroid 17-beta dehydrogenase 4; plus strand). Cytogenetic location: 5q23.1.
Variant type: single nucleotide variant.
Coding change: c.1058C>T on transcript NM_000414.4 (MANE Select); coding-DNA position 1058, C replaced by T.
Protein change: p.Ala353Val; replaces alanine 353 with valine.
Molecular consequence: missense variant.
Genome position (GRCh38, 1-based): chr5:119,499,402, C>T. VCF-style: chr5-119499402-C-T. GRCh37 (hg19) VCF-style: chr5-118835097-C-T.
Other names: c.1133C>T, p.Ala378Val (NM_001199291.3); c.1004C>T, p.Ala335Val (NM_001199292.2); c.986C>T, p.Ala329Val (NM_001292027.2); c.638C>T, p.Ala213Val (NM_001292028.2); c.1058C>T (NM_000414.3); short protein forms A353V, A329V, A335V, A378V, A213V.
Identifiers: ClinVar variation 598604 (VCV000598604.9), dbSNP rs138560200, ClinGen allele CA3382078.